The following is an entry in ClinVar:

ClinVar aggregate classification (germline): Conflicting classifications of pathogenicity. Review status: criteria provided, conflicting classifications (1 of 4 stars). 7 submissions from 7 submitters: Uncertain significance (3); Likely benign (4). Last evaluated 2026-07-17.

Conditions:
Early-infantile DEE. Also called: Early infantile epileptic encephalopathy with suppression bursts; Early infantile epileptic encephalopathy; Ohtahara syndrome. Identifiers: Orphanet 1934, MedGen C0393706, MONDO:0800491.
CACNA2D2-related disorder. Also called: CACNA2D2-related condition.
Inborn genetic diseases. Identifiers: MedGen C0950123, MeSH D030342.
Developmental and epileptic encephalopathy. Identifiers: MedGen C5779964, MONDO:0100620.

Allele frequency attached by ClinVar (database versions not stated): 1000 Genomes Project 0.00060; 1000 Genomes Project 30x 0.00062; TOPMed 0.00113; ESP Exome Variant Server 0.00121; gnomAD exomes 0.00121 and 0.00147; gnomAD 0.00127 and 0.00128; ExAC 0.00180.
gnomAD v4.1: 2,261 of 1,543,274 alleles (0.15%); highest among the groups gnomAD compares: South Asian, 0.18%; 2 homozygotes.

Submissions (7):

PreventionGenetics, part of Exact Sciences
Classification: Likely benign for CACNA2D2-related condition. Last evaluated: 2026-07-17. Review status: criteria provided, single submitter. Criteria: ACMG Guidelines, 2015. Collection method: clinical testing. Allele origin: germline.
Comment: This variant is classified as likely benign based on ACMG/AMP sequence variant interpretation guidelines (Richards et al. 2015 PMID: 25741868, with internal and published modifications).

Labcorp Genetics (formerly Invitae), Labcorp
Classification: Uncertain significance for Early-infantile DEE. Last evaluated: 2026-02-03. Review status: criteria provided, single submitter. Criteria: Invitae Variant Classification Sherloc (09022015). Collection method: clinical testing. Allele origin: germline.
Comment: This sequence change replaces glutamine, which is neutral and polar, with histidine, which is basic and polar, at codon 1134 of the CACNA2D2 protein (p.Gln1134His). This variant is present in population databases (rs150284749, gnomAD 0.2%), and has an allele count higher than expected for a pathogenic variant. This variant has not been reported in the literature in individuals affected with CACNA2D2-related conditions. ClinVar contains an entry for this variant (Variation ID: 411013). An algorithm developed to predict the effect of missense changes on protein structure and function (PolyPhen-2) suggests that this variant is likely to be tolerated. In summary, the available evidence is currently insufficient to determine the role of this variant in disease. Therefore, it has been classified as a Variant of Uncertain Significance.

CeGaT Center for Human Genetics Tuebingen
Classification: Likely benign. Last evaluated: 2025-04-01. Review status: criteria provided, single submitter. Criteria: CeGaT Center For Human Genetics Tuebingen Variant Classification Criteria Version 2. Collection method: clinical testing. Allele origin: germline. Affected: yes. Observed: 1 variant allele.
Comment: CACNA2D2: BS2

Blueprint Genetics
Classification: Likely benign. Last evaluated: 2024-11-23. Review status: criteria provided, single submitter. Criteria: ACMG Guidelines, 2015. Collection method: clinical testing. Allele origin: germline.

Greenwood Genetic Center Diagnostic Laboratories, Greenwood Genetic Center
Classification: Uncertain significance. Last evaluated: 2021-12-30. Review status: criteria provided, single submitter. Criteria: ACMG Guidelines, 2015. Collection method: clinical testing. Allele origin: germline. Affected: yes.
Comment: BP4, PP2

Ambry Genetics
Classification: Likely benign for Inborn genetic diseases. Last evaluated: 2021-05-19. Review status: criteria provided, single submitter. Criteria: Ambry Variant Classification Scheme 2023. Collection method: clinical testing. Allele origin: germline.

Fulgent Genetics
Classification: Uncertain significance for Early infantile epileptic encephalopathy with suppression bursts. Last evaluated: 2018-10-31. Review status: criteria provided, single submitter. Criteria: ACMG Guidelines, 2015. Collection method: clinical testing. Allele origin: unknown.

NM_006030.4(CACNA2D2):c.3402A>C (p.Gln1134His)

Genes: CACNA2D2 (calcium voltage-gated channel auxiliary subunit alpha2delta 2; minus strand), LOC127898564 (CYB561D2-LOC101928965; plus strand). Cytogenetic location: 3p21.31.
Variant type: single nucleotide variant.
Coding change: c.3402A>C on transcript NM_006030.4 (MANE Select); coding-DNA position 3402, A replaced by C.
Protein change: p.Gln1134His; replaces glutamine 1134 with histidine.
Molecular consequence: missense variant.
Genome position (GRCh38, 1-based): chr3:50,364,696, T>G on the plus strand (A>C on the coding strand, the complement: CACNA2D2 is on the minus strand). VCF-style: chr3-50364696-T-G. GRCh37 (hg19) VCF-style: chr3-50402127-T-G.
Other names: c.3408A>C, p.Gln1136His (NM_001005505.3); c.3423A>C, p.Gln1141His (NM_001174051.3); c.3201A>C, p.Gln1067His (NM_001291101.1); c.3423A>C (NM_001174051.1); short protein forms Q1134H, Q1141H, Q1136H, Q1067H.
Identifiers: ClinVar variation 411013 (VCV000411013.22), dbSNP rs150284749, ClinGen allele CA2418088.